The following is an entry in ClinVar:

NM_181776.3(SLC36A2):c.273G>A (p.Leu91=)

Gene: SLC36A2 (solute carrier family 36 member 2; minus strand). Cytogenetic location: 5q33.1.
Variant type: single nucleotide variant.
Coding change: c.273G>A on transcript NM_181776.3 (MANE Select); coding-DNA position 273, G replaced by A.
Protein change: p.Leu91=; no amino-acid change (leucine 91 retained).
Molecular consequence: synonymous variant.
Genome position (GRCh38, 1-based): chr5:151,343,581, C>T on the plus strand (G>A on the coding strand, the complement: SLC36A2 is on the minus strand). VCF-style: chr5-151343581-C-T. GRCh37 (hg19) VCF-style: chr5-150723142-C-T.
Identifiers: ClinVar variation 774309 (VCV000774309.34), dbSNP rs35403441, ClinGen allele CA3518954.

ClinVar aggregate classification (germline): Benign/Likely benign. Review status: criteria provided, multiple submitters, no conflicts (2 of 4 stars). 3 submissions from 3 submitters: Benign (1); Likely benign (2). Last evaluated 2026-01-28.

Conditions:
Hyperglycinuria. Also called: GLYCINURIA WITH OR WITHOUT OXALATE NEPHROLITHIASIS; GLYCINURIA WITH OR WITHOUT OXALATE UROLITHIASIS; IMINOGLYCINURIA TYPE II. Identifiers: MedGen C0543541, MONDO:0007677, OMIM 138500, HP:0003108.
Iminoglycinuria. Identifiers: Orphanet 42062, MedGen C0268654, MONDO:0009448, OMIM 242600.

Allele frequency attached by ClinVar (database versions not stated): 1000 Genomes Project 30x 0.00390; 1000 Genomes Project 0.00399; ESP Exome Variant Server 0.00477; TOPMed 0.00511; gnomAD exomes 0.00541; ExAC 0.00562.
gnomAD v4.1: 12,438 of 1,614,120 alleles (0.77%); highest among the groups gnomAD compares: South Asian, 1%; 70 homozygotes.

Submissions (3):

Labcorp Genetics (formerly Invitae), Labcorp
Classification: Benign. Last evaluated: 2026-01-28. Review status: criteria provided, single submitter. Criteria: Invitae Variant Classification Sherloc (09022015). Collection method: clinical testing. Allele origin: germline.

CeGaT Center for Human Genetics Tuebingen
Classification: Likely benign. Last evaluated: 2022-12-01. Review status: criteria provided, single submitter. Criteria: CeGaT Center For Human Genetics Tuebingen Variant Classification Criteria Version 2. Collection method: clinical testing. Allele origin: germline. Affected: yes. Observed: 2 variant alleles.
Comment: SLC36A2: BP4, BP7, BS2

Fulgent Genetics
Classification: Likely benign for Hyperglycinuria; Iminoglycinuria. Last evaluated: 2021-08-09. Review status: criteria provided, single submitter. Criteria: ACMG Guidelines, 2015. Collection method: clinical testing. Allele origin: unknown.